The following is an entry in ClinVar:

ClinVar aggregate classification (germline): Uncertain significance. Review status: criteria provided, multiple submitters, no conflicts (2 of 4 stars). 3 submissions from 3 submitters: Uncertain significance (3). Last evaluated 2023-11-20.

Conditions:
Emery-Dreifuss muscular dystrophy 4, autosomal dominant (EDMD4). Also called: EMERY-DREIFUSS MUSCULAR DYSTROPHY 4 WITH VARIABLE FEATURES. Identifiers: Orphanet 261, MedGen C2751807, MONDO:0013071, OMIM 612998.
Autosomal recessive ataxia, Beauce type. Also called: Spinocerebellar ataxia, autosomal recessive 8; ATAXIA, RECESSIVE, OF BEAUCE; SYNE1 Deficiency; SYNE1-Related Autosomal Recessive Cerebellar Ataxia. Identifiers: Orphanet 88644, MedGen C1853116, MONDO:0012549, OMIM 610743.

Allele frequency attached by ClinVar (database versions not stated): gnomAD 0.00001 and 0.00002; ExAC 0.00002; gnomAD exomes 0.00003; TOPMed 0.00003.
gnomAD v4.1: 20 of 1,614,076 alleles (0.0012%); highest among the groups gnomAD compares: Non-Finnish European, 0.00042%; no homozygotes.

Submissions (3):

Labcorp Genetics (formerly Invitae), Labcorp
Classification: Uncertain significance for Emery-Dreifuss muscular dystrophy 4, autosomal dominant; Autosomal recessive ataxia, Beauce type. Last evaluated: 2023-11-20. Review status: criteria provided, single submitter. Criteria: Invitae Variant Classification Sherloc (09022015). Collection method: clinical testing. Allele origin: germline.
Comment: This sequence change replaces serine, which is neutral and polar, with asparagine, which is neutral and polar, at codon 2980 of the SYNE1 protein (p.Ser2980Asn). This variant is present in population databases (rs766072795, gnomAD 0.07%). This variant has not been reported in the literature in individuals affected with SYNE1-related conditions. ClinVar contains an entry for this variant (Variation ID: 805587). An algorithm developed to predict the effect of missense changes on protein structure and function (PolyPhen-2) suggests that this variant is likely to be tolerated. In summary, the available evidence is currently insufficient to determine the role of this variant in disease. Therefore, it has been classified as a Variant of Uncertain Significance.

Athena Diagnostics
Classification: Uncertain significance. Last evaluated: 2022-11-07. Review status: criteria provided, single submitter. Criteria: Athena Diagnostics Criteria. Collection method: clinical testing. Allele origin: unknown.
Comment: Available data are insufficient to determine the clinical significance of the variant at this time. The frequency of this variant in the general population is higher than would generally be expected for pathogenic variants in this gene. Computational tools predict that this variant is not damaging.

Revvity Omics, Revvity
Classification: Uncertain significance. Last evaluated: 2022-03-22. Review status: criteria provided, single submitter. Criteria: ACMG Guidelines, 2015. Collection method: clinical testing. Allele origin: germline.

NM_182961.4(SYNE1):c.8918G>A (p.Ser2973Asn)

Genes: SYNE1 (spectrin repeat containing nuclear envelope protein 1; minus strand), SYNE1-AS1 (SYNE1 antisense RNA 1; plus strand). Cytogenetic location: 6q25.2.
Variant type: single nucleotide variant.
Coding change: c.8918G>A on transcript NM_182961.4 (MANE Select); coding-DNA position 8918, G replaced by A.
Protein change: p.Ser2973Asn; replaces serine 2973 with asparagine.
Molecular consequence: missense variant. On other transcripts: non-coding transcript variant (1).
Genome position (GRCh38, 1-based): chr6:152,381,097, C>T on the plus strand (G>A on the coding strand, the complement: SYNE1 is on the minus strand). VCF-style: chr6-152381097-C-T. GRCh37 (hg19) VCF-style: chr6-152702232-C-T.
Other names: c.8939G>A, p.Ser2980Asn (NM_033071.5); c.8939G>A (NM_033071.3); short protein forms S2973N, S2980N.
Identifiers: ClinVar variation 805587 (VCV000805587.13), dbSNP rs766072795, ClinGen allele CA4057437.